The following is an entry in ClinVar:

ClinVar aggregate classification (germline): Uncertain significance. Review status: criteria provided, multiple submitters, no conflicts (2 of 4 stars). 4 submissions from 4 submitters: Uncertain significance (4). Last evaluated 2025-08-18.

Conditions:
Myopathy, proximal, and ophthalmoplegia (CMYO6). Also called: INCLUSION BODY MYOPATHY 3, AUTOSOMAL DOMINANT; CONGENITAL MYOPATHY 6 WITH OPHTHALMOPLEGIA; MYOPATHY WITH CONGENITAL JOINT CONTRACTURES, OPHTHALMOPLEGIA, AND RIMMED VACUOLES. Identifiers: Orphanet 363677, Orphanet 79091, MedGen C1854106, MONDO:0011577, OMIM 605637.

Allele frequency attached by ClinVar (database versions not stated): gnomAD exomes below 0.00001; TOPMed below 0.00001; gnomAD 0.00001.

Submissions (4):

Labcorp Genetics (formerly Invitae), Labcorp
Classification: Uncertain significance for Myopathy, proximal, and ophthalmoplegia. Last evaluated: 2025-08-18. Review status: criteria provided, single submitter. Criteria: Invitae Variant Classification Sherloc (09022015). Collection method: clinical testing. Allele origin: germline.
Comment: This sequence change replaces glutamic acid, which is acidic and polar, with glutamine, which is neutral and polar, at codon 1699 of the MYH2 protein (p.Glu1699Gln). This variant is not present in population databases (gnomAD no frequency). This variant has not been reported in the literature in individuals affected with MYH2-related conditions. ClinVar contains an entry for this variant (Variation ID: 962240). Invitae Evidence Modeling of protein sequence and biophysical properties (such as structural, functional, and spatial information, amino acid conservation, physicochemical variation, residue mobility, and thermodynamic stability) indicates that this missense variant is not expected to disrupt MYH2 protein function with a negative predictive value of 80%. In summary, the available evidence is currently insufficient to determine the role of this variant in disease. Therefore, it has been classified as a Variant of Uncertain Significance.

Laboratorio de Genetica e Diagnostico Molecular, Hospital Israelita Albert Einstein
Classification: Uncertain significance for Myopathy, proximal, and ophthalmoplegia. Last evaluated: 2023-05-18. Review status: criteria provided, single submitter. Criteria: ACMG Guidelines, 2015. Collection method: clinical testing. Allele origin: germline. Affected: yes.
Comment: ACMG classification criteria: PM2 moderate

Mendelics
Classification: Uncertain significance. Last evaluated: 2022-05-04. Review status: criteria provided, single submitter. Criteria: Mendelics Assertion Criteria 2019. Collection method: clinical testing. Allele origin: germline.

Revvity Omics, Revvity
Classification: Uncertain significance for Myopathy, proximal, and ophthalmoplegia. Last evaluated: 2020-06-18. Review status: criteria provided, single submitter. Criteria: ACMG Guidelines, 2015. Collection method: clinical testing. Allele origin: germline.

NM_017534.6(MYH2):c.5095G>C (p.Glu1699Gln)

Genes: MYHAS (myosin heavy chain gene cluster antisense RNA; plus strand), MYH2 (myosin heavy chain 2; minus strand), LOC126862500 (BRD4-independent group 4 enhancer GRCh37_chr17:10427829-10429028; plus strand). Cytogenetic location: 17p13.1.
Variant type: single nucleotide variant.
Coding change: c.5095G>C on transcript NM_017534.6 (MANE Select); coding-DNA position 5095, G replaced by C.
Protein change: p.Glu1699Gln; replaces glutamic acid 1699 with glutamine.
Molecular consequence: missense variant.
Genome position (GRCh38, 1-based): chr17:10,524,546, C>G on the plus strand (G>C on the coding strand, the complement: MYH2 is on the minus strand). VCF-style: chr17-10524546-C-G. GRCh37 (hg19) VCF-style: chr17-10427863-C-G.
Other names: c.5095G>C, p.Glu1699Gln (NM_001100112.2); short protein forms E1699Q.
Identifiers: ClinVar variation 962240 (VCV000962240.11), dbSNP rs1321342402, ClinGen allele CA398119295.
Genomic context (GRCh38, chr17:10,524,546, plus strand): 5'-CACGCTCACTGGCATCCAGGAGCTCCTGTTCTGCGATTTTTCTGCTCCTCTCTGTCTGTT[C>G]CAGAGTGGCCCGCAGCTCCTCGATCTCAGCCTGCAGCAGGTTGGCTCTGCGCTCCACCAT-3'
Protein context (NP_060004.3, residues 1689-1709): AEIEELRATL[Glu1699Gln]QTERSRKIAE